The following is an entry in ClinVar:

ClinVar aggregate classification (germline): Uncertain significance. Review status: criteria provided, multiple submitters, no conflicts (2 of 4 stars). 2 submissions from 2 submitters: Uncertain significance (2). Last evaluated 2024-05-09.

Conditions:
Inborn genetic diseases. Identifiers: MedGen C0950123, MeSH D030342.

Allele frequency attached by ClinVar (database versions not stated): ExAC 0.00001; gnomAD exomes 0.00002.

Submissions (2):

Ambry Genetics
Classification: Uncertain significance for Inborn genetic diseases. Last evaluated: 2024-05-09. Review status: criteria provided, single submitter. Criteria: Ambry Variant Classification Scheme 2023. Collection method: clinical testing. Allele origin: germline.

GeneDx
Classification: Uncertain significance. Last evaluated: 2020-02-02. Review status: criteria provided, single submitter. Criteria: GeneDx Variant Classification Process June 2021. Collection method: clinical testing. Allele origin: germline. Affected: yes.
Comment: In silico analysis supports that this missense variant does not alter protein structure/function; Has not been previously published as pathogenic or benign to our knowledge

NM_016111.4(TELO2):c.593C>T (p.Ala198Val)

Gene: TELO2 (telomere maintenance 2; plus strand). Cytogenetic location: 16p13.3.
Variant type: single nucleotide variant.
Coding change: c.593C>T on transcript NM_016111.4 (MANE Select); coding-DNA position 593, C replaced by T.
Protein change: p.Ala198Val; replaces alanine 198 with valine.
Molecular consequence: missense variant.
Genome position (GRCh38, 1-based): chr16:1,495,603, C>T. VCF-style: chr16-1495603-C-T. GRCh37 (hg19) VCF-style: chr16-1545604-C-T.
Other names: c.593C>T, p.Ala198Val (NM_001351846.2); short protein forms A198V.
Identifiers: ClinVar variation 1311870 (VCV001311870.3), dbSNP rs768321499, ClinGen allele CA7811683.